The following is an entry in ClinVar:

ClinVar aggregate classification (germline): Uncertain significance (1 of 4 stars; one submission).

Allele frequency attached by ClinVar (database versions not stated): TOPMed below 0.00001; ExAC 0.00002; gnomAD exomes 0.00001.
gnomAD v4.1: 6 of 1,613,690 alleles (0.00037%); highest among the groups gnomAD compares: Admixed American, 0.01%; no homozygotes.

Submission:

Labcorp Genetics (formerly Invitae), Labcorp
Classification: Uncertain significance. Last evaluated: 2023-08-04. Review status: criteria provided, single submitter. Criteria: Invitae Variant Classification Sherloc (09022015). Collection method: clinical testing. Allele origin: germline.
Comment: In summary, the available evidence is currently insufficient to determine the role of this variant in disease. Therefore, it has been classified as a Variant of Uncertain Significance. Advanced modeling of protein sequence and biophysical properties (such as structural, functional, and spatial information, amino acid conservation, physicochemical variation, residue mobility, and thermodynamic stability) performed at Invitae indicates that this missense variant is not expected to disrupt C2CD3 protein function. ClinVar contains an entry for this variant (Variation ID: 2076079). This variant has not been reported in the literature in individuals affected with C2CD3-related conditions. This variant is present in population databases (rs768231788, gnomAD 0.009%). This sequence change replaces serine, which is neutral and polar, with glycine, which is neutral and non-polar, at codon 175 of the C2CD3 protein (p.Ser175Gly).

NM_001286577.2(C2CD3):c.523A>G (p.Ser175Gly)

Gene: C2CD3 (C2 domain containing 3 centriole elongation regulator; minus strand). Cytogenetic location: 11q13.4.
Variant type: single nucleotide variant.
Coding change: c.523A>G on transcript NM_001286577.2 (MANE Select); coding-DNA position 523, A replaced by G.
Protein change: p.Ser175Gly; replaces serine 175 with glycine.
Molecular consequence: missense variant.
Genome position (GRCh38, 1-based): chr11:74,139,789, T>C on the plus strand (A>G on the coding strand, the complement: C2CD3 is on the minus strand). VCF-style: chr11-74139789-T-C. GRCh37 (hg19) VCF-style: chr11-73850834-T-C.
Other names: c.523A>G, p.Ser175Gly (NM_015531.6); short protein forms S175G.
Identifiers: ClinVar variation 2076079 (VCV002076079.4), dbSNP rs768231788, ClinGen allele CA6183193.